The following is an entry in ClinVar:

NM_001999.4(FBN2):c.460A>G (p.Met154Val)

Gene: FBN2 (fibrillin 2; minus strand). Cytogenetic location: 5q23.3.
Variant type: single nucleotide variant.
Coding change: c.460A>G on transcript NM_001999.4 (MANE Select); coding-DNA position 460, A replaced by G.
Protein change: p.Met154Val; replaces methionine 154 with valine.
Molecular consequence: missense variant.
Genome position (GRCh38, 1-based): chr5:128,527,944, T>C on the plus strand (A>G on the coding strand, the complement: FBN2 is on the minus strand). VCF-style: chr5-128527944-T-C. GRCh37 (hg19) VCF-style: chr5-127863637-T-C.
Other names: short protein forms M154V.
Identifiers: ClinVar variation 239085 (VCV000239085.22), dbSNP rs878854475, ClinGen allele CA10582361.

ClinVar aggregate classification (germline): Uncertain significance. Review status: criteria provided, multiple submitters, no conflicts (2 of 4 stars). 6 submissions from 6 submitters: Uncertain significance (6). Last evaluated 2026-02-27.

Conditions:
FBN2-related disorder. Also called: FBN2-related condition.
Macular degeneration, early-onset (EOMD). Identifiers: MedGen C4015286, MONDO:0014501, OMIM 616118.
Congenital contractural arachnodactyly (CCA). Also called: Arthrogryposis, distal, type 9; BEALS SYNDROME; Beals-Hecht syndrome. Identifiers: Orphanet 115, MedGen C0220668, MONDO:0007363, OMIM 121050.
Familial thoracic aortic aneurysm and aortic dissection (TAAD). Also called: Thoracic aortic aneurysms and dissections. Identifiers: Orphanet 91387, MedGen C4707243, MONDO:0019625.

Allele frequency attached by ClinVar (database versions not stated): gnomAD exomes 0.00002 and below 0.00001; TOPMed 0.00002; gnomAD 0.00001.

Submissions (6):

PreventionGenetics, part of Exact Sciences
Classification: Uncertain significance for FBN2-related condition. Last evaluated: 2026-02-27. Review status: criteria provided, single submitter. Criteria: ACMG Guidelines, 2015. Collection method: clinical testing. Allele origin: germline.
Comment: The FBN2 c.460A>G variant is predicted to result in the amino acid substitution p.Met154Val. To our knowledge, this variant has not been reported in the literature. This variant is reported in 0.00088% of alleles in individuals of European (Non-Finnish) descent in gnomAD. At this time, the clinical significance of this variant is uncertain due to the absence of conclusive functional and genetic evidence.

Labcorp Genetics (formerly Invitae), Labcorp
Classification: Uncertain significance for Congenital contractural arachnodactyly. Last evaluated: 2025-11-17. Review status: criteria provided, single submitter. Criteria: Invitae Variant Classification Sherloc (09022015). Collection method: clinical testing. Allele origin: germline.
Comment: This sequence change replaces methionine, which is neutral and non-polar, with valine, which is neutral and non-polar, at codon 154 of the FBN2 protein (p.Met154Val). This variant is present in population databases (no rsID available, gnomAD 0.0009%). This missense change has been observed in individuals with FBN2-related conditions (PMID: 26133393; internal data). It has also been observed to segregate with disease in related individuals. ClinVar contains an entry for this variant (Variation ID: 239085). Invitae Evidence Modeling of protein sequence and biophysical properties (such as structural, functional, and spatial information, amino acid conservation, physicochemical variation, residue mobility, and thermodynamic stability) indicates that this missense variant is not expected to disrupt FBN2 protein function with a negative predictive value of 80%. In summary, the available evidence is currently insufficient to determine the role of this variant in disease. Therefore, it has been classified as a Variant of Uncertain Significance.

Ambry Genetics
Classification: Uncertain significance for Familial thoracic aortic aneurysm and aortic dissection. Last evaluated: 2023-05-03. Review status: criteria provided, single submitter. Criteria: Ambry Variant Classification Scheme 2023. Collection method: clinical testing. Allele origin: germline.
Comment: The p.M154V variant (also known as c.460A>G), located in coding exon 4 of the FBN2 gene, results from an A to G substitution at nucleotide position 460. The methionine at codon 154 is replaced by valine, an amino acid with highly similar properties. In one study, this alteration was detected in an individual with aortic dilation (Zarate YA et al. Genet. Med., 2016 Apr;18:356-63). This amino acid position is well conserved in available vertebrate species. In addition, the in silico prediction for this alteration is inconclusive. Since supporting evidence is limited at this time, the clinical significance of this alteration remains unclear.

GeneDx
Classification: Uncertain significance. Last evaluated: 2022-09-09. Review status: criteria provided, single submitter. Criteria: GeneDx Variant Classification Process June 2021. Collection method: clinical testing. Allele origin: germline. Affected: yes.
Comment: Not observed at significant frequency in large population cohorts (gnomAD); In silico analysis supports that this missense variant has a deleterious effect on protein structure/function; Although located in a calcium-binding EGF-like domain of the FBN2 gene, it does not substitute or introduce a cysteine residue (Callewaert et al., 2009; Frederic et al., 2009); Not located within exons 24-33, where the majority of pathogenic variants reported to date occur (Callewaert et al., 2009, Frederic et al., 2009); This variant is associated with the following publications: (PMID: 26133393, 19006240, 18767143)

Fulgent Genetics
Classification: Uncertain significance for Congenital contractural arachnodactyly; Macular degeneration, early-onset. Last evaluated: 2021-10-12. Review status: criteria provided, single submitter. Criteria: ACMG Guidelines, 2015. Collection method: clinical testing. Allele origin: unknown.

Blueprint Genetics
Classification: Uncertain significance. Last evaluated: 2020-11-26. Review status: criteria provided, single submitter. Criteria: ACMG Guidelines, 2015. Collection method: clinical testing. Allele origin: germline.

Literature cited by the submitters: PubMed 26133393 (cited by Labcorp Genetics (formerly Invitae), Labcorp and Ambry Genetics).